The following is an entry in ClinVar:

ClinVar aggregate classification (germline): Uncertain significance (1 of 4 stars; one submission).

Conditions:
Familial adenomatous polyposis 1 (FAP1). Also called: FAMILIAL ADENOMATOUS POLYPOSIS 1, ATTENUATED; POLYPOSIS, ADENOMATOUS INTESTINAL. Identifiers: MedGen C2713442, MONDO:0021056, OMIM 175100. Disease mechanism: loss of function.

gnomAD v4.1: 5 of 1,614,172 alleles (0.00031%); no homozygotes.

Submission:

Labcorp Genetics (formerly Invitae), Labcorp
Classification: Uncertain significance for Familial adenomatous polyposis 1. Last evaluated: 2021-07-11. Review status: criteria provided, single submitter. Criteria: Invitae Variant Classification Sherloc (09022015). Collection method: clinical testing. Allele origin: germline.
Comment: In summary, the available evidence is currently insufficient to determine the role of this variant in disease. Therefore, it has been classified as a Variant of Uncertain Significance. Algorithms developed to predict the effect of missense changes on protein structure and function output the following: SIFT: "Tolerated"; PolyPhen-2: "Benign"; Align-GVGD: "Class C0". The proline amino acid residue is found in multiple mammalian species, which suggests that this missense change does not adversely affect protein function. This variant has not been reported in the literature in individuals affected with APC-related conditions. This variant is not present in population databases (ExAC no frequency). This sequence change replaces glutamine with proline at codon 1193 of the APC protein (p.Gln1193Pro). The glutamine residue is weakly conserved and there is a moderate physicochemical difference between glutamine and proline.

NM_000038.6(APC):c.3578A>C (p.Gln1193Pro)

Gene: APC (APC regulator of Wnt signaling pathway; plus strand). Cytogenetic location: 5q22.2.
Variant type: single nucleotide variant.
Coding change: c.3578A>C on transcript NM_000038.6 (MANE Select); coding-DNA position 3578, A replaced by C.
Protein change: p.Gln1193Pro; replaces glutamine 1193 with proline.
Molecular consequence: missense variant.
Genome position (GRCh38, 1-based): chr5:112,839,172, A>C. VCF-style: chr5-112839172-A-C. GRCh37 (hg19) VCF-style: chr5-112174869-A-C.
Other names: c.3578A>C, p.Gln1193Pro (NM_001127510.3, NM_001354895.2); c.3524A>C, p.Gln1175Pro (NM_001127511.3); c.3632A>C, p.Gln1211Pro (NM_001354896.2); c.3608A>C, p.Gln1203Pro (NM_001354897.2); c.3503A>C, p.Gln1168Pro (NM_001354898.2); c.3494A>C, p.Gln1165Pro (NM_001354899.2); c.3455A>C, p.Gln1152Pro (NM_001354900.2); c.3401A>C, p.Gln1134Pro (NM_001354901.2); and 5 more; short protein forms Q1165P, Q1175P, Q910P, Q1092P, Q1102P, Q1033P, Q1067P, Q1134P.
Identifiers: ClinVar variation 1513674 (VCV001513674.8), dbSNP rs1060503260, ClinGen allele CA16029192.